The following is an entry in ClinVar:

ClinVar aggregate classification (germline): Pathogenic. Review status: criteria provided, multiple submitters, no conflicts (2 of 4 stars). 2 submissions from 2 submitters: Pathogenic (2). Last evaluated 2026-01-15.

Conditions:
Spastic paraplegia. Identifiers: MedGen C0037772, HP:0001258.
Inborn genetic diseases. Identifiers: MedGen C0950123, MeSH D030342.

Submissions (2):

Labcorp Genetics (formerly Invitae), Labcorp
Classification: Pathogenic for Spastic paraplegia. Last evaluated: 2026-01-15. Review status: criteria provided, single submitter. Criteria: Invitae Variant Classification Sherloc (09022015). Collection method: clinical testing. Allele origin: germline.
Comment: This sequence change creates a premature translational stop signal (p.Ser120Cysfs*46) in the SLC16A2 gene. It is expected to result in an absent or disrupted protein product. Loss-of-function variants in SLC16A2 are known to be pathogenic (PMID: 20083155, 25527620). This variant is not present in population databases (gnomAD no frequency). This variant has not been reported in the literature in individuals affected with SLC16A2-related conditions. For these reasons, this variant has been classified as Pathogenic.

Ambry Genetics
Classification: Pathogenic for Inborn genetic diseases. Last evaluated: 2015-04-01. Review status: criteria provided, single submitter. Criteria: Ambry exome assertion method (8-5-2015). Collection method: clinical testing. Allele origin: germline. Affected: yes. Observed: 1 variant allele.

Literature cited by the submitters: PubMed 20083155 (cited by Labcorp Genetics (formerly Invitae), Labcorp); PubMed 25527620 (cited by Labcorp Genetics (formerly Invitae), Labcorp).

NM_006517.5(SLC16A2):c.359_360del (p.Ser120fs)

Gene: SLC16A2 (solute carrier family 16 member 2; plus strand). Cytogenetic location: Xq13.2.
Variant type: Microsatellite.
Coding change: c.359_360del on transcript NM_006517.5 (MANE Select); coding-DNA positions 359 to 360, 2 bases deleted (CT; older notation c.359_360delCT).
Protein change: p.Ser120fs; shifts the reading frame from serine 120.
Molecular consequence: frameshift variant.
Genome position (GRCh38, 1-based): chrX:74,421,996-74,421,997, CT deleted; deleting any 2 consecutive bases within chrX:74,421,994-74,421,997 gives the same sequence; the c. name uses the placement nearest the transcript's 3' end. VCF-style (leftmost placement, unchanged base first): chrX-74421993-ACT-A. GRCh37 (hg19) VCF-style: chrX-73641828-ACT-A.
Other names: short protein forms S120fs.
Identifiers: ClinVar variation 520656 (VCV000520656.9), dbSNP rs1555979596, ClinGen allele CA658799806.